The following is an entry in ClinVar:

ClinVar aggregate classification (germline): Uncertain significance. Review status: criteria provided, multiple submitters, no conflicts (2 of 4 stars). 2 submissions from 2 submitters: Uncertain significance (2). Last evaluated 2024-02-13.

Conditions:
Hereditary diffuse gastric adenocarcinoma (HDGC). Also called: DIFFUSE GASTRIC AND LOBULAR BREAST CANCER SYNDROME. Identifiers: Orphanet 26106, MedGen C1708349, MONDO:0007648, OMIM 137215.

Submissions (2):

GeneDx
Classification: Uncertain significance. Last evaluated: 2024-02-13. Review status: criteria provided, single submitter. Criteria: GeneDx Variant Classification Process June 2021. Collection method: clinical testing. Allele origin: germline. Affected: yes.
Comment: Not observed at significant frequency in large population cohorts (gnomAD); Located in the extracellular domain of E-cadherin (PMID: 15235021, 22850631); In-frame deletion of one amino acid in a non-repeat region; Has not been previously published as pathogenic or benign to our knowledge; This variant is associated with the following publications: (PMID: 15235021, 22850631)

Labcorp Genetics (formerly Invitae), Labcorp
Classification: Uncertain significance for Hereditary diffuse gastric adenocarcinoma. Last evaluated: 2019-04-18. Review status: criteria provided, single submitter. Criteria: Invitae Variant Classification Sherloc (09022015). Collection method: clinical testing. Allele origin: germline.
Comment: This variant, c.1842_1844del, results in the deletion of 1 amino acid(s) of the CDH1 protein (p.Ile615del), but otherwise preserves the integrity of the reading frame. This variant is not present in population databases (ExAC no frequency). This variant has not been reported in the literature in individuals with CDH1-related conditions. Experimental studies and prediction algorithms are not available for this variant, and the functional significance of the affected amino acid(s) is currently unknown. In summary, the available evidence is currently insufficient to determine the role of this variant in disease. Therefore, it has been classified as a Variant of Uncertain Significance.

NM_004360.5(CDH1):c.1839CAT[1] (p.Ile615del)

Gene: CDH1 (cadherin 1; plus strand). Cytogenetic location: 16q22.1.
Variant type: Microsatellite.
Coding change: c.1839CAT[1] on transcript NM_004360.5 (MANE Select); one copy of the 3-base unit CAT starting at c.1839; the reference has two copies in a row; one copy, 3 bases deleted.
Protein change: p.Ile615del; deletes isoleucine 615.
Molecular consequence: inframe deletion. On other transcripts: 5 prime UTR variant (1).
Genome position (GRCh38, 1-based): chr16:68,822,131-68,822,133, CAT deleted; deleting any 3 consecutive bases within chr16:68,822,128-68,822,133 gives the same sequence; the position shown is the placement nearest the transcript's 3' end. VCF-style (leftmost placement, unchanged base first): chr16-68822127-ACAT-A. GRCh37 (hg19) VCF-style: chr16-68856030-ACAT-A.
Other names: c.1656CAT[1], p.Ile554del (NM_001317184.2); c.291CAT[1], p.Ile99del (NM_001317185.2); c.-127CAT[1] (NM_001317186.2); short protein forms I554del, I99del, I615del.
Identifiers: ClinVar variation 852954 (VCV000852954.11), dbSNP rs1961163478, ClinGen allele CA916081838.